The following is an entry in ClinVar:

ClinVar aggregate classification (germline): Uncertain significance. Review status: criteria provided, multiple submitters, no conflicts (2 of 4 stars). 2 submissions from 2 submitters: Uncertain significance (2). Last evaluated 2025-11-25.

Conditions:
Birt-Hogg-Dube syndrome. Also called: Birt Hogg Dubé syndrome. Identifiers: Orphanet 122, MedGen C0346010, MONDO:0800444.
Hereditary cancer-predisposing syndrome. Also called: Hereditary neoplastic syndrome; Neoplastic Syndromes, Hereditary; Tumor predisposition; Hereditary Cancer Syndrome. Identifiers: Orphanet 140162, MedGen C0027672, MeSH D009386, MONDO:0015356.

Allele frequency attached by ClinVar (database versions not stated): gnomAD exomes below 0.00001; ExAC 0.00001; gnomAD 0.00001.
gnomAD v4.1: 5 of 1,614,132 alleles (0.00031%); highest among the groups gnomAD compares: Non-Finnish European, 0.00017%; no homozygotes.

Submissions (2):

Ambry Genetics
Classification: Uncertain significance for Hereditary cancer-predisposing syndrome. Last evaluated: 2025-11-25. Review status: criteria provided, single submitter. Criteria: Ambry Variant Classification Scheme 2023. Collection method: clinical testing. Allele origin: germline.
Comment: The p.C253Y variant (also known as c.758G>A), located in coding exon 4 of the FLCN gene, results from a G to A substitution at nucleotide position 758. The cysteine at codon 253 is replaced by tyrosine, an amino acid with highly dissimilar properties. This amino acid position is well conserved in available vertebrate species. In addition, the in silico prediction for this alteration is inconclusive. Since supporting evidence is limited at this time, the clinical significance of this alteration remains unclear.

Labcorp Genetics (formerly Invitae), Labcorp
Classification: Uncertain significance for Birt-Hogg-Dube syndrome. Last evaluated: 2022-09-11. Review status: criteria provided, single submitter. Criteria: Invitae Variant Classification Sherloc (09022015). Collection method: clinical testing. Allele origin: germline.
Comment: This sequence change replaces cysteine, which is neutral and slightly polar, with tyrosine, which is neutral and polar, at codon 253 of the FLCN protein (p.Cys253Tyr). This variant is present in population databases (rs779849453, gnomAD 0.008%). In summary, the available evidence is currently insufficient to determine the role of this variant in disease. Therefore, it has been classified as a Variant of Uncertain Significance. Advanced modeling of protein sequence and biophysical properties (such as structural, functional, and spatial information, amino acid conservation, physicochemical variation, residue mobility, and thermodynamic stability) performed at Invitae indicates that this missense variant is not expected to disrupt FLCN protein function. This variant has not been reported in the literature in individuals affected with FLCN-related conditions.

NM_144997.7(FLCN):c.758G>A (p.Cys253Tyr)

Gene: FLCN (folliculin; minus strand). Cytogenetic location: 17p11.2.
Variant type: single nucleotide variant.
Coding change: c.758G>A on transcript NM_144997.7 (MANE Select); coding-DNA position 758, G replaced by A.
Protein change: p.Cys253Tyr; replaces cysteine 253 with tyrosine.
Molecular consequence: missense variant.
Genome position (GRCh38, 1-based): chr17:17,222,522, C>T on the plus strand (G>A on the coding strand, the complement: FLCN is on the minus strand). VCF-style: chr17-17222522-C-T. GRCh37 (hg19) VCF-style: chr17-17125836-C-T.
Other names: c.812G>A, p.Cys271Tyr (NM_001353229.2); c.758G>A, p.Cys253Tyr (NM_001353230.2, NM_001353231.2, NM_144606.7); short protein forms C253Y, C271Y.
Identifiers: ClinVar variation 1972089 (VCV001972089.8), dbSNP rs779849453, ClinGen allele CA8416322.